The following is an entry in ClinVar:

ClinVar aggregate classification (germline): Uncertain significance. Review status: criteria provided, multiple submitters, no conflicts (2 of 4 stars). 3 submissions from 3 submitters: Uncertain significance (2). 1 of the submissions does not count toward it. Last evaluated 2025-06-24.

Conditions:
Lynch-like syndrome.
Hereditary nonpolyposis colorectal neoplasms. Identifiers: MedGen C0009405, MeSH D003123.
Hereditary cancer-predisposing syndrome. Also called: Hereditary neoplastic syndrome; Tumor predisposition; Neoplastic Syndromes, Hereditary; Hereditary Cancer Syndrome. Identifiers: Orphanet 140162, MedGen C0027672, MeSH D009386, MONDO:0015356.

gnomAD v4.1: 4 of 1,614,198 alleles (0.00025%); highest among the groups gnomAD compares: Non-Finnish European, 0.00034%; no homozygotes.

Submissions (3):

Ambry Genetics
Classification: Uncertain significance for Hereditary cancer-predisposing syndrome. Last evaluated: 2025-06-24. Review status: criteria provided, single submitter. Criteria: Ambry Variant Classification Scheme 2023. Collection method: clinical testing. Allele origin: germline.
Comment: The p.G356D variant (also known as c.1067G>A), located in coding exon 4 of the MSH6 gene, results from a G to A substitution at nucleotide position 1067. The glycine at codon 356 is replaced by aspartic acid, an amino acid with similar properties. This amino acid position is not well conserved in available vertebrate species. In addition, the in silico prediction for this alteration is inconclusive. Based on the available evidence, the clinical significance of this variant remains unclear.

Labcorp Genetics (formerly Invitae), Labcorp
Classification: Uncertain significance for Hereditary nonpolyposis colorectal neoplasms. Last evaluated: 2024-04-24. Review status: criteria provided, single submitter. Criteria: Invitae Variant Classification Sherloc (09022015). Collection method: clinical testing. Allele origin: germline.
Comment: This sequence change replaces glycine, which is neutral and non-polar, with aspartic acid, which is acidic and polar, at codon 356 of the MSH6 protein (p.Gly356Asp). This variant is not present in population databases (gnomAD no frequency). This variant has not been reported in the literature in individuals affected with MSH6-related conditions. ClinVar contains an entry for this variant (Variation ID: 956387). Advanced modeling of protein sequence and biophysical properties (such as structural, functional, and spatial information, amino acid conservation, physicochemical variation, residue mobility, and thermodynamic stability) performed at Invitae indicates that this missense variant is not expected to disrupt MSH6 protein function with a negative predictive value of 95%. In summary, the available evidence is currently insufficient to determine the role of this variant in disease. Therefore, it has been classified as a Variant of Uncertain Significance.

Constitutional Genetics Lab, Leon Berard Cancer Center
Classification: Uncertain significance for Lynch-like syndrome. Last evaluated: 2019-07-01. Review status: no assertion criteria provided. Collection method: clinical testing. Allele origin: somatic. Affected: yes. Not counted in ClinVar's aggregate classification.

NM_000179.3(MSH6):c.1067G>A (p.Gly356Asp)

Gene: MSH6 (mutS homolog 6; plus strand). Cytogenetic location: 2p16.3.
Variant type: single nucleotide variant.
Coding change: c.1067G>A on transcript NM_000179.3 (MANE Select); coding-DNA position 1067, G replaced by A.
Protein change: p.Gly356Asp; replaces glycine 356 with aspartic acid.
Molecular consequence: missense variant.
Genome position (GRCh38, 1-based): chr2:47,799,050, G>A. VCF-style: chr2-47799050-G-A. GRCh37 (hg19) VCF-style: chr2-48026189-G-A.
Other names: c.677G>A, p.Gly226Asp (NM_001281492.2); c.161G>A, p.Gly54Asp (NM_001281493.2, NM_001281494.2); short protein forms G226D, G356D, G54D.
Identifiers: ClinVar variation 956387 (VCV000956387.12), dbSNP rs776170146, ClinGen allele CA346741664.